The following is an entry in ClinVar:

NM_002608.4(PDGFB):c.104A>G (p.Asp35Gly)

Gene: PDGFB (platelet derived growth factor subunit B; minus strand). Cytogenetic location: 22q13.1.
Variant type: single nucleotide variant.
Coding change: c.104A>G on transcript NM_002608.4 (MANE Select); coding-DNA position 104, A replaced by G.
Protein change: p.Asp35Gly; replaces aspartic acid 35 with glycine.
Molecular consequence: missense variant.
Genome position (GRCh38, 1-based): chr22:39,235,834, T>C on the plus strand (A>G on the coding strand, the complement: PDGFB is on the minus strand). VCF-style: chr22-39235834-T-C. GRCh37 (hg19) VCF-style: chr22-39631839-T-C.
Other names: c.59A>G, p.Asp20Gly (NM_033016.3); short protein forms D20G, D35G.
Identifiers: ClinVar variation 3367288 (VCV003367288.2).

ClinVar aggregate classification (germline): Uncertain significance (1 of 4 stars; one submission).

gnomAD v4.1: 1 of 1,613,846 alleles (0.000062%); highest among the groups gnomAD compares: African/African-American, 0.0013%; no homozygotes.

Submission:

GeneDx
Classification: Uncertain significance. Last evaluated: 2026-06-08. Review status: criteria provided, single submitter. Criteria: GeneDx Variant Classification Process June 2021. Collection method: clinical testing. Allele origin: germline.
Comment: Not observed at significant frequency in large population cohorts (gnomAD); In silico analysis supports that this missense variant does not alter protein structure/function; Has not been previously published as pathogenic or benign to our knowledge